The following is an entry in ClinVar:

NM_000051.4(ATM):c.5842dup (p.Cys1948fs)

Genes: ATM (ATM serine/threonine kinase; plus strand), C11orf65 (chromosome 11 open reading frame 65; minus strand). Cytogenetic location: 11q22.3.
Variant type: Duplication.
Coding change: c.5842dup on transcript NM_000051.4 (MANE Select); coding-DNA position 5842, one base duplicated (T; older notation c.5842dupT).
Protein change: p.Cys1948fs; shifts the reading frame from cysteine 1948.
Molecular consequence: frameshift variant. On other transcripts: intron variant (2).
Genome position (GRCh38, 1-based): chr11:108,310,239, T duplicated; the last of 2 consecutive T bases (chr11:108,310,238-108,310,239); duplicating either gives the same sequence. VCF-style (leftmost placement, unchanged base first): chr11-108310237-C-CT. GRCh37 (hg19) VCF-style: chr11-108180964-C-CT.
Other names: c.5842dup, p.Cys1948fs (NM_001351834.2); c.641-1167dup (NM_001330368.2); c.*39-1167dup (NM_001351110.2); c.5842dupT (NM_000051.3); short protein forms C1948fs.
Identifiers: ClinVar variation 2587794 (VCV002587794.2), dbSNP rs2547028485, ClinGen allele CA2582342459.

ClinVar aggregate classification (germline): Pathogenic (1 of 4 stars; one submission).

Conditions:
Hereditary cancer-predisposing syndrome. Also called: Hereditary Cancer Syndrome; Hereditary neoplastic syndrome; Neoplastic Syndromes, Hereditary; Tumor predisposition. Identifiers: Orphanet 140162, MedGen C0027672, MeSH D009386, MONDO:0015356.

Submission:

Ambry Genetics
Classification: Pathogenic for Hereditary cancer-predisposing syndrome. Last evaluated: 2023-08-02. Review status: criteria provided, single submitter. Criteria: Ambry Variant Classification Scheme 2023. Collection method: clinical testing. Allele origin: germline.
Comment: The c.5842dupT pathogenic mutation, located in coding exon 38 of the ATM gene, results from a duplication of T at nucleotide position 5842, causing a translational frameshift with a predicted alternate stop codon (p.C1948Lfs*17). This variant is considered to be rare based on population cohorts in the Genome Aggregation Database (gnomAD). This alteration is expected to result in loss of function by premature protein truncation or nonsense-mediated mRNA decay. As such, this alteration is interpreted as a disease-causing mutation.